The following is an entry in ClinVar:

ClinVar aggregate classification (germline): Uncertain significance (1 of 4 stars; one submission).

Conditions:
Hereditary breast ovarian cancer syndrome. Also called: Breast and ovarian cancer; BRCA1- and BRCA2-Associated Hereditary Breast and Ovarian Cancer; Hereditary breast and ovarian cancer; Hereditary breast and ovarian cancer syndrome (HBOC); Hereditary breast and/or ovarian cancer syndrome; Hereditary breast and ovarian cancer syndrome. Identifiers: Orphanet 145, MedGen C0677776, MeSH D061325, MONDO:0003582. Disease mechanism: loss of function.

Submission:

Labcorp Genetics (formerly Invitae), Labcorp
Classification: Uncertain significance for Hereditary breast ovarian cancer syndrome. Last evaluated: 2018-07-15. Review status: criteria provided, single submitter. Criteria: Invitae Variant Classification Sherloc (09022015). Collection method: clinical testing. Allele origin: germline.
Comment: In summary, the available evidence is currently insufficient to determine the role of this variant in disease. Therefore, it has been classified as a Variant of Uncertain Significance. Algorithms developed to predict the effect of missense changes on protein structure and function are either unavailable or do not agree on the potential impact of this missense change (SIFT: "Tolerated"; PolyPhen-2: "Possibly Damaging"; Align-GVGD: "Class C0"). This variant has not been reported in the literature in individuals with BRCA2-related disease. This variant is not present in population databases (ExAC no frequency). This sequence change replaces valine with leucine at codon 2908 of the BRCA2 protein (p.Val2908Leu). The valine residue is moderately conserved and there is a small physicochemical difference between valine and leucine.

NM_000059.4(BRCA2):c.8722G>T (p.Val2908Leu)

Gene: BRCA2 (BRCA2 DNA repair associated; plus strand). Cytogenetic location: 13q13.1.
Variant type: single nucleotide variant.
Coding change: c.8722G>T on transcript NM_000059.4 (MANE Select); coding-DNA position 8722, G replaced by T.
Protein change: p.Val2908Leu; replaces valine 2908 with leucine.
Molecular consequence: missense variant.
Genome position (GRCh38, 1-based): chr13:32,376,759, G>T. VCF-style: chr13-32376759-G-T. GRCh37 (hg19) VCF-style: chr13-32950896-G-T.
Other names: short protein forms V2908L.
Identifiers: ClinVar variation 650994 (VCV000650994.9), dbSNP rs483353124, ClinGen allele CA387754959.